The following is an entry in ClinVar:

ClinVar aggregate classification (germline): Pathogenic (1 of 4 stars; one submission).

Conditions:
Atransferrinemia. Also called: Familial hypotransferrinemia. Identifiers: Orphanet 1195, MedGen C0521802, MONDO:0008846, OMIM 209300, HP:0012239.

Submission:

Myriad Genetics, Inc.
Classification: Pathogenic for Atransferrinemia. Last evaluated: 2025-11-06. Review status: criteria provided, single submitter. Criteria: Myriad Autosomal Dominant, Autosomal Recessive and X-Linked Classification Criteria (2023). Collection method: clinical testing. Allele origin: unknown.
Comment: NM_001063.3(TF):c.796_797insA(P266Hfs*50) is expected to be pathogenic in the context of atransferrinemia. This variant is predicted to lead to an abnormal or absent protein product due to the creation of a premature termination codon in TF, a gene where loss-of-function variants are known to be pathogenic. Please note: this variant was assessed in the context of healthy population screening.

NM_001063.4(TF):c.796_797insA (p.Pro266fs)

Gene: TF (transferrin; plus strand). Cytogenetic location: 3q22.1.
Variant type: Insertion.
Coding change: c.796_797insA on transcript NM_001063.4 (MANE Select); coding-DNA positions 796 to 797, A inserted.
Protein change: p.Pro266fs; shifts the reading frame from proline 266.
Molecular consequence: frameshift variant.
Genome position: GRCh38 VCF-style: chr3-133756935-C-CA. GRCh37 (hg19) VCF-style: chr3-133475779-C-CA.
Other names: c.664_665insA, p.Pro222fs (NM_001354703.2); c.415_416insA, p.Pro139fs (NM_001354704.2); short protein forms P139fs, P222fs, P266fs.
Identifiers: ClinVar variation 5015176 (VCV005015176.1).